The following is an entry in ClinVar:

NM_001848.3(COL6A1):c.1002+1G>A

Gene: COL6A1 (collagen type VI alpha 1 chain; plus strand). Cytogenetic location: 21q22.3.
Variant type: single nucleotide variant.
Coding change: c.1002+1G>A on transcript NM_001848.3 (MANE Select); the canonical splice donor site of the intron after coding-DNA position 1002, G replaced by A.
Molecular consequence: splice donor variant.
Genome position (GRCh38, 1-based): chr21:45,990,423, G>A. VCF-style: chr21-45990423-G-A. GRCh37 (hg19) VCF-style: chr21-47410337-G-A.
Identifiers: ClinVar variation 287971 (VCV000287971.11), dbSNP rs886043700, ClinGen allele CA10605928.

ClinVar aggregate classification (germline): Pathogenic. Review status: criteria provided, multiple submitters, no conflicts (2 of 4 stars). 3 submissions from 3 submitters: Pathogenic (3). Last evaluated 2025-06-23.

Conditions:
Bethlem myopathy 1A. Also called: Bethlem Muscular Dystrophy; MYOPATHY, BENIGN CONGENITAL, WITH CONTRACTURES; Bethlem myopathy 1. Identifiers: Orphanet 610, MedGen CN029274, MONDO:0024530, OMIM 158810.

Submissions (3):

Labcorp Genetics (formerly Invitae), Labcorp
Classification: Pathogenic for Bethlem myopathy 1A. Last evaluated: 2025-06-23. Review status: criteria provided, single submitter. Criteria: Invitae Variant Classification Sherloc (09022015). Collection method: clinical testing. Allele origin: germline.
Comment: This sequence change affects a donor splice site in intron 13 of the COL6A1 gene. It is expected to disrupt RNA splicing. Variants that disrupt the donor or acceptor splice site typically lead to a loss of protein function (PMID: 16199547), and loss-of-function variants in COL6A1 are known to be disease-causing for autosomal recessive COL6A1-related conditions (PMID: 21280092, 20976770). However, certain variants affecting donor or acceptor splice sites in the triple helical domain of COL6A1 are expected to result in in-frame exon skipping and have been reported to cause autosomal dominant COL6A1-related conditions (PMID: 18366090). This variant is not present in population databases (gnomAD no frequency). Disruption of this splice site has been observed in individual(s) with autosomal dominant COL6A1-related conditions (PMID: 18366090, 28688748, 29465610; internal data). In at least one individual the variant was observed to be de novo. ClinVar contains an entry for this variant (Variation ID: 287971). Studies have shown that disruption of this splice site results in skipping of exon 13, but is expected to preserve the integrity of the reading-frame (PMID: 18366090). This variant disrupts the triple helix domain of COL6A1. Glycine residues within the Gly-Xaa-Yaa repeats of the triple helix domain are required for the structure and stability of fibrillar collagens (PMID: 7695699, 8218237, 19344236). In COL6A1, variants at these glycine residues are significantly enriched in individuals with autosomal dominant disease (PMID: 15689448, 24038877) compared to the general population (ExAC). For these reasons, this variant has been classified as Pathogenic.

Revvity Omics, Revvity
Classification: Pathogenic. Last evaluated: 2022-03-08. Review status: criteria provided, single submitter. Criteria: ACMG Guidelines, 2015. Collection method: clinical testing. Allele origin: germline.

Eurofins Ntd Llc (ga)
Classification: Pathogenic. Last evaluated: 2016-05-09. Review status: criteria provided, single submitter. Criteria: EGL Classification Definitions 2015. Collection method: clinical testing. Allele origin: germline. Observed: 1 variant allele, 1 heterozygote.

Literature cited by the submitters: PubMed 16199547 (cited by Labcorp Genetics (formerly Invitae), Labcorp); PubMed 21280092 (cited by Labcorp Genetics (formerly Invitae), Labcorp); PubMed 20976770 (cited by Labcorp Genetics (formerly Invitae), Labcorp); PubMed 18366090 (cited by Labcorp Genetics (formerly Invitae), Labcorp); PubMed 28688748 (cited by Labcorp Genetics (formerly Invitae), Labcorp); PubMed 29465610 (cited by Labcorp Genetics (formerly Invitae), Labcorp); PubMed 7695699 (cited by Labcorp Genetics (formerly Invitae), Labcorp); PubMed 8218237 (cited by Labcorp Genetics (formerly Invitae), Labcorp); PubMed 19344236 (cited by Labcorp Genetics (formerly Invitae), Labcorp); PubMed 15689448 (cited by Labcorp Genetics (formerly Invitae), Labcorp); PubMed 24038877 (cited by Labcorp Genetics (formerly Invitae), Labcorp).